The following is an entry in ClinVar:

NM_012293.3(PXDN):c.3894C>T (p.Tyr1298=)

Gene: PXDN (peroxidasin; minus strand). Cytogenetic location: 2p25.3.
Variant type: single nucleotide variant.
Coding change: c.3894C>T on transcript NM_012293.3 (MANE Select); coding-DNA position 3894, C replaced by T.
Protein change: p.Tyr1298=; no amino-acid change (tyrosine 1298 retained).
Molecular consequence: synonymous variant.
Genome position (GRCh38, 1-based): chr2:1,643,426, G>A on the plus strand (C>T on the coding strand, the complement: PXDN is on the minus strand). VCF-style: chr2-1643426-G-A. GRCh37 (hg19) VCF-style: chr2-1647198-G-A.
Identifiers: ClinVar variation 3036049 (VCV003036049.2), dbSNP rs199885858, ClinGen allele CA1512588.

ClinVar aggregate classification (germline): Likely benign (0 of 4 stars; one submission).

Conditions:
PXDN-related disorder. Also called: PXDN-related condition.

Allele frequency attached by ClinVar (database versions not stated): ExAC 0.00002; gnomAD exomes 0.00002; 1000 Genomes Project 30x 0.00016; 1000 Genomes Project 0.00020.
gnomAD v4.1: 33 of 1,613,918 alleles (0.002%); highest among the groups gnomAD compares: Middle Eastern, 0.016%; no homozygotes.

Submission:

PreventionGenetics, part of Exact Sciences
Classification: Likely benign for PXDN-related condition. Last evaluated: 2020-06-18. Review status: no assertion criteria provided. Collection method: clinical testing. Allele origin: germline.
Comment: This variant is classified as likely benign based on ACMG/AMP sequence variant interpretation guidelines (Richards et al. 2015 PMID: 25741868, with internal and published modifications).